The following is an entry in ClinVar:

ClinVar aggregate classification (germline): Conflicting classifications of pathogenicity. Review status: criteria provided, conflicting classifications (1 of 4 stars). 2 submissions from 2 submitters: Uncertain significance (1); Likely benign (1). Last evaluated 2024-09-04.

Allele frequency attached by ClinVar (database versions not stated): TOPMed 0.00002; gnomAD 0.00004; gnomAD exomes 0.00005; ExAC 0.00008; 1000 Genomes Project 0.00020; 1000 Genomes Project 30x 0.00031.
gnomAD v4.1: 82 of 1,611,650 alleles (0.0051%); highest among the groups gnomAD compares: East Asian, 0.033%; no homozygotes.

Submissions (2):

Blueprint Genetics
Classification: Likely benign. Last evaluated: 2024-09-04. Review status: criteria provided, single submitter. Criteria: ACMG Guidelines, 2015. Collection method: clinical testing. Allele origin: germline.

GeneDx
Classification: Uncertain significance. Last evaluated: 2023-03-31. Review status: criteria provided, single submitter. Criteria: GeneDx Variant Classification Process June 2021. Collection method: clinical testing. Allele origin: germline. Affected: yes.
Comment: In silico analysis supports that this missense variant does not alter protein structure/function; Has not been previously published as pathogenic or benign to our knowledge

NM_001009944.3(PKD1):c.3701C>T (p.Ala1234Val)

Gene: PKD1 (polycystin 1, transient receptor potential channel interacting; minus strand). Cytogenetic location: 16p13.3.
Variant type: single nucleotide variant.
Coding change: c.3701C>T on transcript NM_001009944.3 (MANE Select); coding-DNA position 3701, C replaced by T.
Protein change: p.Ala1234Val; replaces alanine 1234 with valine.
Molecular consequence: missense variant.
Genome position (GRCh38, 1-based): chr16:2,111,466, G>A on the plus strand (C>T on the coding strand, the complement: PKD1 is on the minus strand). VCF-style: chr16-2111466-G-A. GRCh37 (hg19) VCF-style: chr16-2161467-G-A.
Other names: c.3701C>T, p.Ala1234Val (NM_000296.4); short protein forms A1234V.
Identifiers: ClinVar variation 2581861 (VCV002581861.2), dbSNP rs545640319, ClinGen allele CA7832665.